The following is an entry in ClinVar:

ClinVar aggregate classification (germline): Uncertain significance. Review status: criteria provided, multiple submitters, no conflicts (2 of 4 stars). 3 submissions from 3 submitters: Uncertain significance (3). Last evaluated 2025-07-24.

Conditions:
Hereditary cancer-predisposing syndrome. Also called: Neoplastic Syndromes, Hereditary; Tumor predisposition; Hereditary Cancer Syndrome; Hereditary neoplastic syndrome. Identifiers: Orphanet 140162, MedGen C0027672, MeSH D009386, MONDO:0015356.
Rhabdoid tumor predisposition syndrome 2 (RTPS2). Identifiers: Orphanet 231108, Orphanet 69077, MedGen C2750074, MONDO:0013224, OMIM 613325.

Allele frequency attached by ClinVar (database versions not stated): gnomAD exomes below 0.00001.
gnomAD v4.1: 2 of 1,603,018 alleles (0.00012%); highest among the groups gnomAD compares: Non-Finnish European, 0.00017%; no homozygotes.

Submissions (3):

Ambry Genetics
Classification: Uncertain significance for Hereditary cancer-predisposing syndrome. Last evaluated: 2025-07-24. Review status: criteria provided, single submitter. Criteria: Ambry Variant Classification Scheme 2023. Collection method: clinical testing. Allele origin: germline.
Comment: The p.R1336H variant (also known as c.4007G>A), located in coding exon 28 of the SMARCA4 gene, results from a G to A substitution at nucleotide position 4007. The arginine at codon 1336 is replaced by histidine, an amino acid with highly similar properties. This amino acid position is highly conserved in available vertebrate species. In addition, this alteration is predicted to be deleterious by in silico analysis. Based on the available evidence, the clinical significance of this variant remains unclear.

GeneDx
Classification: Uncertain significance. Last evaluated: 2024-02-07. Review status: criteria provided, single submitter. Criteria: GeneDx Variant Classification Process June 2021. Collection method: clinical testing. Allele origin: germline. Affected: yes.
Comment: Not observed at significant frequency in large population cohorts (gnomAD); In silico analysis supports that this missense variant has a deleterious effect on protein structure/function; Has not been previously reported as a pathogenic or benign germline variant to our knowledge; This variant is associated with the following publications: (PMID: 11085541)

Labcorp Genetics (formerly Invitae), Labcorp
Classification: Uncertain significance for Rhabdoid tumor predisposition syndrome 2. Last evaluated: 2023-08-09. Review status: criteria provided, single submitter. Criteria: Invitae Variant Classification Sherloc (09022015). Collection method: clinical testing. Allele origin: germline.
Comment: ClinVar contains an entry for this variant (Variation ID: 1736976). Advanced modeling of protein sequence and biophysical properties (such as structural, functional, and spatial information, amino acid conservation, physicochemical variation, residue mobility, and thermodynamic stability) performed at Invitae indicates that this missense variant is expected to disrupt SMARCA4 protein function. In summary, the available evidence is currently insufficient to determine the role of this variant in disease. Therefore, it has been classified as a Variant of Uncertain Significance. This variant has not been reported in the literature in individuals affected with SMARCA4-related conditions. This variant is not present in population databases (gnomAD no frequency). This sequence change replaces arginine, which is basic and polar, with histidine, which is basic and polar, at codon 1336 of the SMARCA4 protein (p.Arg1336His).

NM_003072.5(SMARCA4):c.4007G>A (p.Arg1336His)

Gene: SMARCA4 (SWI/SNF related BAF chromatin remodeling complex subunit ATPase 4; plus strand). Cytogenetic location: 19p13.2.
Variant type: single nucleotide variant.
Coding change: c.4007G>A on transcript NM_003072.5 (MANE Select); coding-DNA position 4007, G replaced by A.
Protein change: p.Arg1336His; replaces arginine 1336 with histidine.
Molecular consequence: missense variant. On other transcripts: non-coding transcript variant (1).
Genome position (GRCh38, 1-based): chr19:11,034,969, G>A. VCF-style: chr19-11034969-G-A. GRCh37 (hg19) VCF-style: chr19-11145645-G-A.
Other names: c.4007G>A, p.Arg1336His (NM_001128844.3, NM_001128849.3, NM_001387283.1); c.3908G>A, p.Arg1303His (NM_001128845.2, NM_001128846.2, NM_001128847.4 and 3 more transcripts); short protein forms R1303H, R1336H.
Identifiers: ClinVar variation 1736976 (VCV001736976.8), dbSNP rs2146698126, ClinGen allele CA404068100.